The following is an entry in ClinVar:

ClinVar aggregate classification (germline): Uncertain significance (1 of 4 stars; one submission).

gnomAD v4.1: 2 of 1,614,178 alleles (0.00012%); highest among the groups gnomAD compares: East Asian, 0.0045%; no homozygotes.

Submission:

Ambry Genetics
Classification: Uncertain significance. Last evaluated: 2026-05-18. Review status: criteria provided, single submitter. Criteria: Ambry Variant Classification Scheme 2023. Collection method: clinical testing. Allele origin: germline.
Comment: The p.D802V variant (also known as c.2405A>T), located in coding exon 1 of the MLH3 gene, results from an A to T substitution at nucleotide position 2405. The aspartic acid at codon 802 is replaced by valine, an amino acid with highly dissimilar properties. This amino acid position is conserved. In addition, this alteration is predicted to be tolerated by in silico analysis. Based on the available evidence, the clinical significance of this variant remains unclear.

NM_001040108.2(MLH3):c.2405A>T (p.Asp802Val)

Gene: MLH3 (mutL homolog 3; minus strand). Cytogenetic location: 14q24.3.
Variant type: single nucleotide variant.
Coding change: c.2405A>T on transcript NM_001040108.2 (MANE Select); coding-DNA position 2405, A replaced by T.
Protein change: p.Asp802Val; replaces aspartic acid 802 with valine.
Molecular consequence: missense variant.
Genome position (GRCh38, 1-based): chr14:75,047,251, T>A on the plus strand (A>T on the coding strand, the complement: MLH3 is on the minus strand). VCF-style: chr14-75047251-T-A. GRCh37 (hg19) VCF-style: chr14-75513954-T-A.
Other names: c.2405A>T, p.Asp802Val (NM_014381.3); short protein forms D802V.
Identifiers: ClinVar variation 4860212 (VCV004860212.1).
Genomic context (GRCh38, chr14:75,047,251, plus strand): 5'-CTTGCTGGTTGACAACTACTATCTGAATCACTATGCTCCATAGTAGTGATTTTACAAACA[T>A]CAGAGTTCTCTAAGCGGTTCTTGTCCTTCAGCAGAATGTCAGGTTCAACTTGAAGACTGA-3'
Protein context (NP_001035197.1, residues 792-812): LKDKNRLENS[Asp802Val]VCKITTMEHS